The following is an entry in ClinVar:

ClinVar aggregate classification (germline): Uncertain significance (1 of 4 stars; one submission).

Conditions:
Hereditary cancer-predisposing syndrome. Also called: Tumor predisposition; Hereditary neoplastic syndrome; Hereditary Cancer Syndrome; Neoplastic Syndromes, Hereditary. Identifiers: Orphanet 140162, MedGen C0027672, MeSH D009386, MONDO:0015356.

Submission:

Ambry Genetics
Classification: Uncertain significance for Hereditary cancer-predisposing syndrome. Last evaluated: 2023-09-21. Review status: criteria provided, single submitter. Criteria: Ambry Variant Classification Scheme 2023. Collection method: clinical testing. Allele origin: germline.
Comment: The p.T375S variant (also known as c.1124C>G), located in coding exon 7 of the CTNNA1 gene, results from a C to G substitution at nucleotide position 1124. The threonine at codon 375 is replaced by serine, an amino acid with similar properties. This amino acid position is conserved. In addition, the in silico prediction for this alteration is inconclusive. Since supporting evidence is limited at this time, the clinical significance of this alteration remains unclear.

NM_001903.5(CTNNA1):c.1124C>G (p.Thr375Ser)

Gene: CTNNA1 (catenin alpha 1; plus strand). Cytogenetic location: 5q31.2.
Variant type: single nucleotide variant.
Coding change: c.1124C>G on transcript NM_001903.5 (MANE Select); coding-DNA position 1124, C replaced by G.
Protein change: p.Thr375Ser; replaces threonine 375 with serine.
Molecular consequence: missense variant. On other transcripts: 5 prime UTR variant (5), intron variant (2).
Genome position (GRCh38, 1-based): chr5:138,886,273, C>G. VCF-style: chr5-138886273-C-G. GRCh37 (hg19) VCF-style: chr5-138221962-C-G.
Other names: c.1124C>G, p.Thr375Ser (NM_001290307.3, NM_001323982.2, NM_001323983.1 and 3 more transcripts); c.815C>G, p.Thr272Ser (NM_001290309.3); c.755C>G, p.Thr252Ser (NM_001290310.3); c.14C>G, p.Thr5Ser (NM_001290312.1, NM_001323987.1, NM_001323988.1 and 18 more transcripts); c.-384C>G (NM_001324006.1, NM_001324007.1, NM_001324008.1 and 1 more transcripts); c.-259C>G (NM_001324013.1); c.-58+10676C>G (NM_001324012.1); c.-61+10676C>G (NM_001324010.1); short protein forms T252S, T272S, T375S, T5S.
Identifiers: ClinVar variation 3221869 (VCV003221869.1), dbSNP rs1754001022, ClinGen allele CA361132609.